The following is an entry in ClinVar:

NM_005051.3(QARS1):c.250G>A (p.Glu84Lys)

Gene: QARS1 (glutaminyl-tRNA synthetase 1; minus strand). Cytogenetic location: 3p21.31.
Variant type: single nucleotide variant.
Coding change: c.250G>A on transcript NM_005051.3 (MANE Select); coding-DNA position 250, G replaced by A.
Protein change: p.Glu84Lys; replaces glutamic acid 84 with lysine.
Molecular consequence: missense variant. On other transcripts: intron variant (1).
Genome position (GRCh38, 1-based): chr3:49,104,339, C>T on the plus strand (G>A on the coding strand, the complement: QARS1 is on the minus strand). VCF-style: chr3-49104339-C-T. GRCh37 (hg19) VCF-style: chr3-49141772-C-T.
Other names: c.232+18G>A (NM_001272073.2); short protein forms E84K.
Identifiers: ClinVar variation 1390128 (VCV001390128.6), dbSNP rs2042510296, ClinGen allele CA352722403.
Genomic context (GRCh38, chr3:49,104,339, plus strand): 5'-AAGGGAGGCATTGGTGCGAACTGGCAGGACAGGTAGGGGTCTCACCGCTTAGCTGGGGCT[C>T]AGTGTGGATCTTCTTACTGGCTATGTAGCTTACAAGGAAGGAGAGACGCCGGGTATCCCT-3'
Protein context (NP_005042.1, residues 74-94): SYIASKKIHT[Glu84Lys]PQLSAALEYV

ClinVar aggregate classification (germline): Uncertain significance (1 of 4 stars; one submission).

Conditions:
Diffuse cerebral and cerebellar atrophy - intractable seizures - progressive microcephaly syndrome. Also called: Microcephaly, progressive, with seizures and cerebral and cerebellar atrophy. Identifiers: Orphanet 404437, MedGen C4014239, MONDO:0014335, OMIM 615760.

Allele frequency attached by ClinVar (database versions not stated): TOPMed 0.00001.

Submission:

Labcorp Genetics (formerly Invitae), Labcorp
Classification: Uncertain significance for Diffuse cerebral and cerebellar atrophy - intractable seizures - progressive microcephaly syndrome. Last evaluated: 2020-11-21. Review status: criteria provided, single submitter. Criteria: Invitae Variant Classification Sherloc (09022015). Collection method: clinical testing. Allele origin: germline.
Comment: This variant has not been reported in the literature in individuals with QARS-related conditions. This variant is not present in population databases (ExAC no frequency). This sequence change replaces glutamic acid with lysine at codon 84 of the QARS protein (p.Glu84Lys). The glutamic acid residue is moderately conserved and there is a small physicochemical difference between glutamic acid and lysine. Algorithms developed to predict the effect of missense changes on protein structure and function are either unavailable or do not agree on the potential impact of this missense change (SIFT: "Tolerated"; PolyPhen-2: "Possibly Damaging"; Align-GVGD: "Class C0"). In summary, the available evidence is currently insufficient to determine the role of this variant in disease. Therefore, it has been classified as a Variant of Uncertain Significance.